The following is an entry in ClinVar:

NM_004369.4(COL6A3):c.5923C>T (p.Arg1975Cys)

Gene: COL6A3 (collagen type VI alpha 3 chain; minus strand). Cytogenetic location: 2q37.3.
Variant type: single nucleotide variant.
Coding change: c.5923C>T on transcript NM_004369.4 (MANE Select); coding-DNA position 5923, C replaced by T.
Protein change: p.Arg1975Cys; replaces arginine 1975 with cysteine.
Molecular consequence: missense variant.
Genome position (GRCh38, 1-based): chr2:237,363,393, G>A on the plus strand (C>T on the coding strand, the complement: COL6A3 is on the minus strand). VCF-style: chr2-237363393-G-A. GRCh37 (hg19) VCF-style: chr2-238272036-G-A.
Other names: c.4102C>T, p.Arg1368Cys (NM_057166.5); c.5305C>T, p.Arg1769Cys (NM_057167.4); short protein forms R1769C, R1975C, R1368C.
Identifiers: ClinVar variation 2411195 (VCV002411195.5), dbSNP rs369839261, ClinGen allele CA2188517.
Genomic context (GRCh38, chr2:237,363,393, plus strand): 5'-CCAGATGCATTAGCCGCTCCAAGTTGACCACTCGTTCAAGGCCCACCAGGATCAAGGCAC[G>A]GACTCCTGCAAAGAAAGACACATTTAATACAGCTCACCTAGGCATGTGGAAAATGCAATG-3'
Protein context (NP_004360.2, residues 1965-1985): ASENLRQEGV[Arg1975Cys]ALILVGLERV

ClinVar aggregate classification (germline): Uncertain significance. Review status: criteria provided, multiple submitters, no conflicts (2 of 4 stars). 2 submissions from 2 submitters: Uncertain significance (2). Last evaluated 2024-09-23.

Conditions:
Inborn genetic diseases. Identifiers: MedGen C0950123, MeSH D030342.
Bethlem myopathy 1A. Also called: Bethlem Muscular Dystrophy; MYOPATHY, BENIGN CONGENITAL, WITH CONTRACTURES; Bethlem myopathy 1. Identifiers: Orphanet 610, MedGen CN029274, MONDO:0024530, OMIM 158810.

Allele frequency attached by ClinVar (database versions not stated): gnomAD 0.00001; gnomAD exomes 0.00001; TOPMed 0.00001; ExAC 0.00006; ESP Exome Variant Server 0.00008.
gnomAD v4.1: 20 of 1,614,000 alleles (0.0012%); highest among the groups gnomAD compares: South Asian, 0.0044%; no homozygotes.

Submissions (2):

Labcorp Genetics (formerly Invitae), Labcorp
Classification: Uncertain significance for Bethlem myopathy 1A. Last evaluated: 2024-09-23. Review status: criteria provided, single submitter. Criteria: Invitae Variant Classification Sherloc (09022015). Collection method: clinical testing. Allele origin: germline.
Comment: This sequence change replaces arginine, which is basic and polar, with cysteine, which is neutral and slightly polar, at codon 1975 of the COL6A3 protein (p.Arg1975Cys). This variant is present in population databases (rs369839261, gnomAD 0.01%). This variant has not been reported in the literature in individuals affected with COL6A3-related conditions. ClinVar contains an entry for this variant (Variation ID: 2411195). Invitae Evidence Modeling of protein sequence and biophysical properties (such as structural, functional, and spatial information, amino acid conservation, physicochemical variation, residue mobility, and thermodynamic stability) indicates that this missense variant is not expected to disrupt COL6A3 protein function with a negative predictive value of 80%. In summary, the available evidence is currently insufficient to determine the role of this variant in disease. Therefore, it has been classified as a Variant of Uncertain Significance.

Ambry Genetics
Classification: Uncertain significance for Inborn genetic diseases. Last evaluated: 2022-08-30. Review status: criteria provided, single submitter. Criteria: Ambry Variant Classification Scheme 2023. Collection method: clinical testing. Allele origin: germline.